The following is an entry in ClinVar:

ClinVar aggregate classification (germline): Conflicting classifications of pathogenicity. Review status: criteria provided, conflicting classifications (1 of 4 stars). 6 submissions from 6 submitters: Likely pathogenic (5); Uncertain significance (1). Last evaluated 2025-10-14.

Conditions:
Renal-hepatic-pancreatic dysplasia 1 (RHPD1). Identifiers: MedGen C3715199, MONDO:0008833, OMIM 208540.
NPHP3-related Meckel-like syndrome. Also called: GOLDSTON SYNDROME; Meckel syndrome type 7. Identifiers: Orphanet 3032, MedGen C2673885, MONDO:0009966, OMIM 267010.
Nephronophthisis 3 (NPHP3). Also called: Adolescent nephronophthisis. Identifiers: Orphanet 655, MedGen C1858392, MONDO:0011456, OMIM 604387.
NPHP3-related disorder. Also called: NPHP3-related disorders; NPHP3-related condition. Identifiers: MedGen CN379163.
Nephronophthisis. Also called: Juvenile Nephronophthisis. Identifiers: Orphanet 655, MedGen C0687120, MONDO:0019005, HP:0000090.

Allele frequency attached by ClinVar (database versions not stated): gnomAD exomes below 0.00001 and 0.00005; ExAC 0.00001; TOPMed 0.00003; gnomAD 0.00005.
gnomAD v4.1: 83 of 1,613,838 alleles (0.0051%); highest among the groups gnomAD compares: Non-Finnish European, 0.0064%; no homozygotes.

Submissions (6):

Labcorp Genetics (formerly Invitae), Labcorp
Classification: Likely pathogenic for Nephronophthisis. Last evaluated: 2025-10-14. Review status: criteria provided, single submitter. Criteria: Invitae Variant Classification Sherloc (09022015). Collection method: clinical testing. Allele origin: germline.
Comment: This sequence change replaces glycine, which is neutral and non-polar, with aspartic acid, which is acidic and polar, at codon 781 of the NPHP3 protein (p.Gly781Asp). This variant is present in population databases (rs781180515, gnomAD 0.0009%). This missense change has been observed in individual(s) with clinical features of nephronophthisis (PMID: 24776604). In at least one individual the data is consistent with being in trans (on the opposite chromosome) from a pathogenic variant. It has also been observed to segregate with disease in related individuals. ClinVar contains an entry for this variant (Variation ID: 693990). Invitae Evidence Modeling of protein sequence and biophysical properties (such as structural, functional, and spatial information, amino acid conservation, physicochemical variation, residue mobility, and thermodynamic stability) indicates that this missense variant is expected to disrupt NPHP3 protein function with a positive predictive value of 80%. In summary, the currently available evidence indicates that the variant is pathogenic, but additional data are needed to prove that conclusively. Therefore, this variant has been classified as Likely Pathogenic.

Women's Health and Genetics/Laboratory Corporation of America, LabCorp
Classification: Uncertain significance. Last evaluated: 2025-06-26. Review status: criteria provided, single submitter. Criteria: LabCorp Variant Classification Summary - May 2015. Collection method: clinical testing. Allele origin: germline.
Comment: Variant summary: NPHP3 c.2342G>A (p.Gly781Asp) results in a non-conservative amino acid change in the encoded protein sequence. Algorithms developed to predict the effect of missense changes on protein structure and function all suggest that this variant is likely to be disruptive. The variant allele was found at a frequency of 4e-06 in 251358 control chromosomes. c.2342G>A has been observed in two siblings affected with neonatal onset multiorgan polycystic disease, a rare neonatal ciliopathy presentation of NPHP3 (Leeman_2014). These data indicate that the variant may be associated with disease. To our knowledge, no experimental evidence demonstrating an impact on protein function has been reported. The following publications have been ascertained in the context of this evaluation (PMID: 28921755, 24776604). ClinVar contains an entry for this variant (Variation ID: 693990). Based on the evidence outlined above, the variant was classified as VUS-possibly pathogenic.

Fulgent Genetics
Classification: Likely pathogenic for Renal-hepatic-pancreatic dysplasia 1; NPHP3-related Meckel-like syndrome; Nephronophthisis 3. Last evaluated: 2024-02-25. Review status: criteria provided, single submitter. Criteria: ACMG Guidelines, 2015. Collection method: clinical testing. Allele origin: germline.

Victorian Clinical Genetics Services, Murdoch Childrens Research Institute
Classification: Likely pathogenic for Nephronophthisis 3. Last evaluated: 2021-05-06. Review status: criteria provided, single submitter. Criteria: ACMG Guidelines, 2015. Collection method: clinical testing. Allele origin: germline. Inheritance: Autosomal recessive inheritance.
Comment: Based on the classification scheme VCGS_Germline_v1.1.1, this variant is classified as Likely pathogenic. Following criteria are met: 0102 - Loss-of-function is a known mechanism of disease for this gene. (N) 0106 - This gene is known to be associated with autosomal recessive disease. (N) 0200 - Variant is predicted to result in a missense amino acid change from glycine to aspartic acid (exon 17). (N) 0251 - Variant is heterozygous. (N) 0304 - Variant is present in gnomAD <0.01 for a recessive condition (v3: 7 heterozygotes, 0 homozygotes). (P) 0502 - Missense variant with conflicting in silico predictions and/or uninformative conservation. (N) 0604 - Variant is not located in an established domain, motif, hotspot or informative constraint region. (N) 0705 - No comparable variants have previous evidence for pathogenicity. (N) 0803 - Low previous evidence of pathogenicity in unrelated individuals. This variant has been previously reported as likely pathogenic in ClinVar and in two siblings with neonatal onset multiorgan polycystic disease (PMID: 24776604). (P) 1007 - No published functional evidence has been identified for this variant. (N) 1208 - Inheritance information for this variant is not currently available. (N) Legend: (P) - Pathogenic, (N) - Neutral, (B) - Benign

Johns Hopkins Genomics, Johns Hopkins University
Classification: Likely pathogenic for NPHP3-related Meckel-like syndrome. Last evaluated: 2019-08-16. Review status: criteria provided, single submitter. Criteria: ACMG Guidelines, 2015. Collection method: clinical testing. Allele origin: germline.
Comment: InterpretationThis NPHP3 variant was previously identified in trans with a second likely disease-causing variant in two siblings presenting with severe multiorgan polycystic disease. This variant (rs781180515) is rare (<0.1%) in a large population dataset (gnomAD: 1/251358 total alleles; 0.0003978%; no homozygotes). Of three bioinformatics tools queried, two predict that the substitution would be probably damaging while the third predicts that it would be neutral. The glycine residue at this position is evolutionarily conserved across all species assessed. Bioinformatic analysis predicts that this missense variant may have a possible effect on normal exon 17 splicing, although this has not been confirmed experimentally to our knowledge. This variant is likely pathogenic in this patient.

Blueprint Genetics
Classification: Likely pathogenic for NPHP3-related disorders. Last evaluated: 2019-04-11. Review status: criteria provided, single submitter. Criteria: ACMG Guidelines, 2015. Collection method: clinical testing. Allele origin: germline. Affected: yes. Observed: 3 variant alleles.

Literature cited by the submitters: PubMed 24776604 (cited by 3 submitters); PubMed 28921755 (cited by Women's Health and Genetics/Laboratory Corporation of America, LabCorp).

NM_153240.5(NPHP3):c.2342G>A (p.Gly781Asp)

Genes: NPHP3 (nephrocystin 3; minus strand), NPHP3-ACAD11 (NPHP3-ACAD11 readthrough (NMD candidate); minus strand). Cytogenetic location: 3q22.1.
Variant type: single nucleotide variant.
Coding change: c.2342G>A on transcript NM_153240.5 (MANE Select); coding-DNA position 2342, G replaced by A.
Protein change: p.Gly781Asp; replaces glycine 781 with aspartic acid.
Molecular consequence: missense variant. On other transcripts: non-coding transcript variant (1).
Genome position (GRCh38, 1-based): chr3:132,692,787, C>T on the plus strand (G>A on the coding strand, the complement: NPHP3 is on the minus strand). VCF-style: chr3-132692787-C-T. GRCh37 (hg19) VCF-style: chr3-132411631-C-T.
Other names: c.2342G>A (NM_153240.4); short protein forms G781D.
Identifiers: ClinVar variation 693990 (VCV000693990.13), dbSNP rs781180515, ClinGen allele CA2622035.